The following is an entry in ClinVar:

NM_152281.3(GORAB):c.970A>G (p.Lys324Glu)

Gene: GORAB (golgin, RAB6 interacting; plus strand). Cytogenetic location: 1q24.2.
Variant type: single nucleotide variant.
Coding change: c.970A>G on transcript NM_152281.3 (MANE Select); coding-DNA position 970, A replaced by G.
Protein change: p.Lys324Glu; replaces lysine 324 with glutamic acid.
Molecular consequence: missense variant. On other transcripts: non-coding transcript variant (1).
Genome position (GRCh38, 1-based): chr1:170,552,322, A>G. VCF-style: chr1-170552322-A-G. GRCh37 (hg19) VCF-style: chr1-170521463-A-G.
Other names: c.505A>G, p.Lys169Glu (NM_001320252.2); c.919A>G, p.Lys307Glu (NM_001410894.1); short protein forms K169E, K324E, K307E.
Identifiers: ClinVar variation 1931179 (VCV001931179.3), dbSNP rs1558012691, ClinGen allele CA343165261.
Genomic context (GRCh38, chr1:170,552,322, plus strand): 5'-GTGGTTCGTTTAGAGAGGCCATTTCAGCCTGCGGAGGAGAGTGTGACATTAGAATTTGCT[A>G]AAGAGAACAGAAAGTGTCAAGAACAAGCTGTTTCCCCAAAGGTAGATGACCAGTGTGGAA-3'
Protein context (NP_689494.3, residues 314-334): AEESVTLEFA[Lys324Glu]ENRKCQEQAV

ClinVar aggregate classification (germline): Uncertain significance (1 of 4 stars; one submission).

Allele frequency attached by ClinVar (database versions not stated): gnomAD exomes below 0.00001; gnomAD 0.00001; TOPMed 0.00002.
gnomAD v4.1: 4 of 1,614,050 alleles (0.00025%); highest among the groups gnomAD compares: Admixed American, 0.005%; no homozygotes.

Submission:

Labcorp Genetics (formerly Invitae), Labcorp
Classification: Uncertain significance. Last evaluated: 2024-12-18. Review status: criteria provided, single submitter. Criteria: Invitae Variant Classification Sherloc (09022015). Collection method: clinical testing. Allele origin: germline.
Comment: This sequence change replaces lysine, which is basic and polar, with glutamic acid, which is acidic and polar, at codon 349 of the GORAB protein (p.Lys349Glu). This variant is not present in population databases (gnomAD no frequency). This variant has not been reported in the literature in individuals affected with GORAB-related conditions. ClinVar contains an entry for this variant (Variation ID: 1931179). An algorithm developed to predict the effect of missense changes on protein structure and function outputs the following: PolyPhen-2: "Benign". The glutamic acid amino acid residue is found in multiple mammalian species, which suggests that this missense change does not adversely affect protein function. In summary, the available evidence is currently insufficient to determine the role of this variant in disease. Therefore, it has been classified as a Variant of Uncertain Significance.